The following is an entry in ClinVar:

ClinVar aggregate classification (germline): Uncertain significance. Review status: criteria provided, multiple submitters, no conflicts (2 of 4 stars). 3 submissions from 3 submitters: Uncertain significance (2). 1 of the submissions does not count toward it. Last evaluated 2020-06-17.

Conditions:
Mucopolysaccharidosis type 1. Also called: Mucopolysaccharidosis Type I; IDUA deficiency; MPS I. Identifiers: Orphanet 579, MedGen C0023786, MONDO:0001586.

Submissions (3):

Blueprint Genetics
Classification: Uncertain significance. Last evaluated: 2020-06-17. Review status: criteria provided, single submitter. Criteria: ACMG Guidelines, 2015. Collection method: clinical testing. Allele origin: germline.

Labcorp Genetics (formerly Invitae), Labcorp
Classification: Uncertain significance for Mucopolysaccharidosis type 1. Last evaluated: 2020-01-14. Review status: criteria provided, single submitter. Criteria: Invitae Variant Classification Sherloc (09022015). Collection method: clinical testing. Allele origin: germline.
Comment: This variant is not present in population databases (ExAC no frequency). This variant has not been reported in the literature in individuals with IDUA-related conditions. Algorithms developed to predict the effect of missense changes on protein structure and function are either unavailable or do not agree on the potential impact of this missense change (SIFT: "Deleterious"; PolyPhen-2: "Possibly Damaging"; Align-GVGD: "Class C0"). In summary, the available evidence is currently insufficient to determine the role of this variant in disease. Therefore, it has been classified as a Variant of Uncertain Significance. This sequence change replaces threonine with asparagine at codon 560 of the IDUA protein (p.Thr560Asn). The threonine residue is highly conserved and there is a small physicochemical difference between threonine and asparagine.

Natera, Inc.
Classification: Uncertain significance for Mucopolysaccharidosis type I. Last evaluated: 2021-10-04. Review status: no assertion criteria provided. Collection method: clinical testing. Allele origin: germline. Not counted in ClinVar's aggregate classification.

NM_000203.5(IDUA):c.1679C>A (p.Thr560Asn)

Gene: IDUA (alpha-L-iduronidase; plus strand). Cytogenetic location: 4p16.3.
Variant type: single nucleotide variant.
Coding change: c.1679C>A on transcript NM_000203.5 (MANE Select); coding-DNA position 1679, C replaced by A.
Protein change: p.Thr560Asn; replaces threonine 560 with asparagine.
Molecular consequence: missense variant. On other transcripts: non-coding transcript variant (1).
Genome position (GRCh38, 1-based): chr4:1,003,577, C>A. VCF-style: chr4-1003577-C-A. GRCh37 (hg19) VCF-style: chr4-997365-C-A.
Other names: c.1283C>A, p.Thr428Asn (NM_001363576.1); short protein forms T428N, T560N.
Identifiers: ClinVar variation 859276 (VCV000859276.15), dbSNP rs773249605, ClinGen allele CA355965193.